The following is an entry in ClinVar:

NM_145331.3(MAP3K7):c.1356+4A>G

Gene: MAP3K7 (mitogen-activated protein kinase kinase kinase 7; minus strand). Cytogenetic location: 6q15.
Variant type: single nucleotide variant.
Coding change: c.1356+4A>G on transcript NM_145331.3 (MANE Select); 4 bases into the intron after coding-DNA position 1356, A replaced by G.
Molecular consequence: intron variant.
Genome position (GRCh38, 1-based): chr6:90,536,333, T>C on the plus strand (A>G on the coding strand, the complement: MAP3K7 is on the minus strand). VCF-style: chr6-90536333-T-C. GRCh37 (hg19) VCF-style: chr6-91246052-T-C.
Other names: c.1275+4A>G (NM_145333.3, NM_003188.4); c.1356+4A>G (NM_145332.3).
Identifiers: ClinVar variation 1056350 (VCV001056350.7), dbSNP rs1358484809, ClinGen allele CA568733765.
Genomic context (GRCh38, chr6:90,536,333, plus strand): 5'-TACAGTTAATTCTTGTTTTCTGCCTAGTATTCTTCAAAGATAGAAAATTTGAATGTTGTC[T>C]TACCTGACCAGGTTCTGTTCCAGTTACAGTCAAGTCTTGGATGGATCTACGTCTTGGCTG-3'

ClinVar aggregate classification (germline): Uncertain significance (1 of 4 stars; one submission).

Allele frequency attached by ClinVar (database versions not stated): gnomAD exomes below 0.00001 and 0.00001; TOPMed 0.00001.
gnomAD v4.1: 3 of 1,608,884 alleles (0.00019%); highest among the groups gnomAD compares: South Asian, 0.0022%; no homozygotes.

Submission:

Labcorp Genetics (formerly Invitae), Labcorp
Classification: Uncertain significance. Last evaluated: 2025-10-18. Review status: criteria provided, single submitter. Criteria: Invitae Variant Classification Sherloc (09022015). Collection method: clinical testing. Allele origin: germline.
Comment: This sequence change falls in intron 13 of the MAP3K7 gene. It does not directly change the encoded amino acid sequence of the MAP3K7 protein. It affects a nucleotide within the consensus splice site. This variant is present in population databases (no rsID available, gnomAD 0.006%). This variant has not been reported in the literature in individuals affected with MAP3K7-related conditions. ClinVar contains an entry for this variant (Variation ID: 1056350). Variants that disrupt the consensus splice site are a relatively common cause of aberrant splicing (PMID: 17576681, 9536098). Algorithms developed to predict the effect of sequence changes on RNA splicing suggest that this variant is not likely to affect RNA splicing. In summary, the available evidence is currently insufficient to determine the role of this variant in disease. Therefore, it has been classified as a Variant of Uncertain Significance.

Literature cited by the submitters: PubMed 17576681; PubMed 9536098.